The following is an entry in ClinVar:

ClinVar aggregate classification (germline): Benign (1 of 4 stars; one submission).

Conditions:
Hereditary spastic paraplegia 4. Also called: Spastic paraplegia 4, autosomal dominant; Spastic Paraplegia 4; Familial spastic paraplegia autosomal dominant 2. Identifiers: Orphanet 100985, MedGen C1866855, MONDO:0008438, OMIM 182601.

Allele frequency attached by ClinVar (database versions not stated): TOPMed 0.00646; gnomAD 0.00757 and 0.00833; gnomAD exomes 0.00943; 1000 Genomes Project 30x 0.01015; 1000 Genomes Project 0.01038.
gnomAD v4.1: 1,264 of 151,870 alleles (0.83%); highest among the groups gnomAD compares: South Asian, 3.1%; 11 homozygotes.

Submission:

Illumina Laboratory Services, Illumina
Classification: Benign for Hereditary spastic paraplegia 4. Last evaluated: 2018-01-13. Review status: criteria provided, single submitter. Criteria: ICSL Variant Classification Criteria 13 December 2019. Collection method: clinical testing. Allele origin: germline.
Comment: This variant was observed in the ICSL laboratory as part of a predisposition screen in an ostensibly healthy population. It had not been previously curated by ICSL or reported in the Human Gene Mutation Database (HGMD: prior to June 1st, 2018), and was therefore a candidate for classification through an automated scoring system. Utilizing variant allele frequency, disease prevalence and penetrance estimates, and inheritance mode, an automated score was calculated to assess if this variant is too frequent to cause the disease. Based on the score and internal cut-off values, a variant classified as benign is not then subjected to further curation. The score for this variant resulted in a classification of benign for this disease.

NM_014946.4(SPAST):c.*765A>C

Gene: SPAST (spastin; plus strand). Cytogenetic location: 2p22.3.
Variant type: single nucleotide variant.
Coding change: c.*765A>C on transcript NM_014946.4 (MANE Select); 765 bases downstream of the stop codon, A replaced by C.
Molecular consequence: 3 prime UTR variant.
Genome position (GRCh38, 1-based): chr2:32,155,261, A>C. VCF-style: chr2-32155261-A-C. GRCh37 (hg19) VCF-style: chr2-32380330-A-C.
Other names: c.*765A>C (NM_001363823.2, NM_001363875.2, NM_199436.2); c.*889A>C (NM_001377959.1).
Identifiers: ClinVar variation 335851 (VCV000335851.5), dbSNP rs141666739, ClinGen allele CA10613236.
Genomic context (GRCh38, chr2:32,155,261, plus strand): 5'-TTGAAGGTTTGAGTTACTCTGTCATATAACATGTAGATCAGTCTTCATGTGACCTGCAGT[A>C]TTTTTTTTTCTAATGTATTTGTCAGAAATCTGTTGTAGACTGTTAACTTCTTCCTGATGG-3'